The following is an entry in ClinVar:

ClinVar aggregate classification (germline): Pathogenic. Review status: reviewed by expert panel (3 of 4 stars). 18 submissions from 18 submitters: Pathogenic (1). 17 of the submissions do not count toward it. Last evaluated 2023-05-25.

Conditions:
Cerebral creatine deficiency syndrome. Also called: Creatine deficiency syndromes. Identifiers: Orphanet 79172, MedGen C5244016, MONDO:0000456.
Inborn genetic diseases. Identifiers: MedGen C0950123, MeSH D030342.
Deficiency of guanidinoacetate methyltransferase (CCDS2). Also called: CEREBRAL CREATINE DEFICIENCY SYNDROME 2; Guanidinoacetate Methyltransferase (GAMT) Deficiency; GAMT DEFICIENCY. Identifiers: Orphanet 382, MedGen C0574080, MONDO:0012999, OMIM 612736.

Allele frequency attached by ClinVar (database versions not stated): gnomAD exomes 0.00005; ExAC below 0.00001; TOPMed 0.00004.

Submissions 1 to 8 of 18:

ClinGen Cerebral Creatine Deficiency Syndromes Variant Curation Expert Panel, ClinGen
Classification: Pathogenic for Deficiency of guanidinoacetate methyltransferase. Last evaluated: 2023-05-25. Review status: reviewed by expert panel. Criteria: ClinGen_CCDS_ACMG_Specifications_GAMT_v1.1. Collection method: curation. Allele origin: germline. Inheritance: Autosomal recessive inheritance.
Comment: The NM_000156.6:c.59G>C variant in GAMT is a missense variant predicted to cause substitution of tryptophan by serine at amino acid 20 (p.Trp20Ser). This variant has been detected in at least 9 unrelated individuals with GAMT deficiency (PMID: 15651030, PMID: 16855203, PMID: 15108290). Of those individuals, one was compound heterozygous for the variant and a pathogenic variant, c.521G>A (p.Trp174*, in trans (PMID: 16855203) and eight individuals were homozygous for the variant (PMID: 15651030, PMID: 16855203, PMID: 15108290) (2 points total) (PM3_Strong). These individuals showed elevated plasma GAA and urine GAA (PMID: 15651030, PMID: 16855203, PMID: 15108290), three also showed deficient (<5% wild-type) GAMT enzyme activity in lymphoblasts (PMID: 15651030), and one also showed deficient (<5% wild-type) GAMT enzyme activity in fibroblasts and reduced creatine signal on brain MRS (PMID: 16855203, PMID: 21140503) (PP4_Strong). Expression of the variant in HeLa cells resulted in 3% wild type GAMT activity indicating that this variant may impact protein function (PMID: 17336114)(PS3_Supporting). The highest population minor allele frequency in gnomAD v2.1.1 is 0.0001 (3/27420 alleles) in the European (non-Finnish) population, which is lower than the ClinGen CCDS VCEP’s threshold for PM2_Supporting (<0.0004); however, as this variant is covered in <50% of individuals in gnomAD v2.1.1, allele frequency estimates may not be reliable and thus PM2_Supporting is not met. The computational predictor REVEL gives a score of 0.94 which is above the threshold of 0.75, evidence that correlates with impact to GAMT function (PP3). There is a ClinVar entry for this variant (Variation ID: 8303, 2 star review status) with 9 submitters classifying the variant as pathogenic and 1 submitter classifying the variant as likely pathogenic. In summary, this variant meets the criteria to be classified as pathogenic for GAMT deficiency based on the ACMG/AMP criteria applied, as specified by the ClinGen Cerebral Creatine Deficiency Syndromes Variant Curation Expert Panel (Specifications Version 1.1.0): PS3_Supporting, PM3_Strong, PP3, PP4_Strong. (Classification approved by the ClinGen Cerebral Creatine Deficiency Syndromes Variant Curation Expert Panel on May 25, 2023)

OLLIN Analises Genomicas, OLLIN
Classification: Pathogenic for Deficiency of guanidinoacetate methyltransferase. Last evaluated: 2026-08-06. Review status: criteria provided, single submitter. Criteria: ACMG Guidelines 2015 PMID 25741868. Collection method: clinical testing. Allele origin: germline. Inheritance: Autosomal recessive inheritance. Not counted in ClinVar's aggregate classification.
Comment: This missense variant, located in exon 1 (of 6), has been reported in ClinVar (accession VCV001069228.15) and in gnomAD with an allele frequency of 0.0036%. However, to our knowledge, it has not been reported in the scientific literature. Functional studies suggest that this variant may affect protein function, and in silico analysis predicts a deleterious effect. According to the currently available evidence, this variant has been classified as pathogenic (PS3_S, PM3_S, PP3, PP4_S).

Greenwood Genetic Center Diagnostic Laboratories, Greenwood Genetic Center
Classification: Pathogenic for Deficiency of guanidinoacetate methyltransferase. Last evaluated: 2026-04-02. Review status: criteria provided, single submitter. Criteria: ACMG Guidelines, 2015. Collection method: clinical testing. Allele origin: germline. Affected: yes. Not counted in ClinVar's aggregate classification.
Comment: PS3, PM3_Strong, PP3, PP4

Natera, Inc.
Classification: Pathogenic for Guanidinoacetate methyltransferase deficiency. Last evaluated: 2025-11-24. Review status: criteria provided, single submitter. Criteria: Natera Variant Classification Schema (03/2026). Collection method: clinical testing. Allele origin: germline. Not counted in ClinVar's aggregate classification.
Comment: The c.59G>C variant in GAMT is a missense variant predicted to cause substitution of tryptophan to serine at amino acid 20. This variant is rare in the general population with a frequency below the threshold expected for the associated phenotype(s). This variant has been observed in one or more individuals affected with the associated recessive disease, as either homozygous or compound heterozygous with a second variant (PMID: 15651030, 15108290, 16855203). Functional studies show that this variant may disrupt protein function (PMID: 15651030). Computational prediction algorithms indicate this variant is likely to affect gene or protein function. Given the available evidence, this variant is classified as Pathogenic.

Ambry Genetics
Classification: Pathogenic for Inborn genetic diseases. Last evaluated: 2025-07-22. Review status: criteria provided, single submitter. Criteria: Ambry Variant Classification Scheme 2023. Collection method: clinical testing. Allele origin: germline. Not counted in ClinVar's aggregate classification.
Comment: The c.59G>C (p.W20S) alteration is located in exon 1 (coding exon 1) of the GAMT gene. This alteration results from a G to C substitution at nucleotide position 59, causing the tryptophan (W) at amino acid position 20 to be replaced by a serine (S). Based on data from gnomAD, the C allele has an overall frequency of 0.005% (4/74462) total alleles studied. The highest observed frequency was 0.011% (3/27420) of European (non-Finnish) alleles. This variant has been identified in the homozygous state and/or in conjunction with other GAMT variant(s) in individual(s) with features consistent with GAMT-related cerebral creatine deficiency syndrome (Item, 2004; Caldeira Araujo, 2005; Mercimek-Mahmutoglu, 2006; Stockler-Ipsiroglu, 2014). This amino acid position is highly conserved in available vertebrate species. This alteration is predicted to be deleterious by in silico analysis. Based on the available evidence, this alteration is classified as pathogenic.

Labcorp Genetics (formerly Invitae), Labcorp
Classification: Pathogenic for Cerebral creatine deficiency syndrome. Last evaluated: 2025-03-12. Review status: criteria provided, single submitter. Criteria: Invitae Variant Classification Sherloc (09022015). Collection method: clinical testing. Allele origin: germline. Not counted in ClinVar's aggregate classification.
Comment: This sequence change replaces tryptophan, which is neutral and slightly polar, with serine, which is neutral and polar, at codon 20 of the GAMT protein (p.Trp20Ser). This variant is present in population databases (rs80338734, gnomAD 0.01%). This missense change has been observed in individual(s) with cerebral creatine deficiency syndrome (PMID: 15108290, 15651030, 16855203, 17336114, 21140503). It has also been observed to segregate with disease in related individuals. ClinVar contains an entry for this variant (Variation ID: 8303). Invitae Evidence Modeling of protein sequence and biophysical properties (such as structural, functional, and spatial information, amino acid conservation, physicochemical variation, residue mobility, and thermodynamic stability) indicates that this missense variant is expected to disrupt GAMT protein function with a positive predictive value of 95%. Experimental studies have shown that this missense change affects GAMT function (PMID: 17336114). For these reasons, this variant has been classified as Pathogenic.

Fulgent Genetics
Classification: Pathogenic for Deficiency of guanidinoacetate methyltransferase. Last evaluated: 2024-01-17. Review status: criteria provided, single submitter. Criteria: ACMG Guidelines, 2015. Collection method: clinical testing. Allele origin: germline. Not counted in ClinVar's aggregate classification.

GeneDx
Classification: Pathogenic. Last evaluated: 2023-04-03. Review status: criteria provided, single submitter. Criteria: GeneDx Variant Classification Process June 2021. Collection method: clinical testing. Allele origin: germline. Affected: yes. Not counted in ClinVar's aggregate classification.
Comment: Pathogenic founder variant in Portuguese population with a carrier frequency of 0.8% (Mercimek-Mahmutoglu et al. 2006); Published functional studies demonstrate that introduction of GAMT-W20S contructs into HeLa cells was associated with no increase of GAMT activity whereas the wild type protein resulted in increased activity (Almeida et al., 2007); Not observed at significant frequency in large population cohorts (gnomAD); This variant is associated with the following publications: (PMID: 28808834, 28055022, 19892372, 24268530, 21140503, 17336114, 15108290, 23031365, 19027335, 26003046, 16899382, 16855203, 15651030, 31589614)

NM_000156.6(GAMT):c.59G>C (p.Trp20Ser)

Genes: GAMT (guanidinoacetate N-methyltransferase; minus strand), LOC130062945 (ATAC-STARR-seq lymphoblastoid silent region 9707; plus strand). Cytogenetic location: 19p13.3.
Variant type: single nucleotide variant.
Coding change: c.59G>C on transcript NM_000156.6 (MANE Select); coding-DNA position 59, G replaced by C.
Protein change: p.Trp20Ser; replaces tryptophan 20 with serine.
Molecular consequence: missense variant.
Genome position (GRCh38, 1-based): chr19:1,401,418, C>G on the plus strand (G>C on the coding strand, the complement: GAMT is on the minus strand). VCF-style: chr19-1401418-C-G. GRCh37 (hg19) VCF-style: chr19-1401417-C-G.
Other names: NM_000156.6(GAMT):c.59G>C; c.59G>C, p.Trp20Ser (NM_138924.3); short protein forms W20S.
Identifiers: ClinVar variation 8303 (VCV000008303.45), dbSNP rs80338734, ClinGen allele CA340769.